The following is an entry in ClinVar:

NM_000487.6(ARSA):c.218C>T (p.Pro73Leu)

Gene: ARSA (arylsulfatase A; minus strand). Cytogenetic location: 22q13.33.
Variant type: single nucleotide variant.
Coding change: c.218C>T on transcript NM_000487.6 (MANE Select); coding-DNA position 218, C replaced by T.
Protein change: p.Pro73Leu; replaces proline 73 with leucine.
Molecular consequence: missense variant. On other transcripts: intron variant (2).
Genome position (GRCh38, 1-based): chr22:50,627,562, G>A on the plus strand (C>T on the coding strand, the complement: ARSA is on the minus strand). VCF-style: chr22-50627562-G-A. GRCh37 (hg19) VCF-style: chr22-51065990-G-A.
Other names: c.218C>T (NM_000487.5); c.218C>T, p.Pro73Leu (NM_001085425.3, NM_001085426.3, NM_001085427.3); c.-34-156C>T (NM_001362782.2, NM_001085428.3); short protein forms P73L.
Identifiers: ClinVar variation 2503923 (VCV002503923.2), dbSNP rs764004751, ClinGen allele CA10325103.

ClinVar aggregate classification (germline): Uncertain significance. Review status: criteria provided, multiple submitters, no conflicts (2 of 4 stars). 2 submissions from 2 submitters: Uncertain significance (2). Last evaluated 2026-01-08.

Conditions:
Metachromatic leukodystrophy (MLD). Also called: CEREBROSIDE SULFATASE DEFICIENCY; ARSA DEFICIENCY; METACHROMATIC LEUKOENCEPHALOPATHY; SULFATIDE LIPIDOSIS; Cerebral sclerosis diffuse metachromatic form; Arylsulfatase A Deficiency. Identifiers: Orphanet 512, MedGen C0023522, MONDO:0018868, OMIM 250100.

Allele frequency attached by ClinVar (database versions not stated): gnomAD 0.00001; ExAC 0.00005.
gnomAD v4.1: 19 of 1,560,548 alleles (0.0012%); highest among the groups gnomAD compares: East Asian, 0.0024%; no homozygotes.

Submissions (2):

Myriad Genetics, Inc.
Classification: Uncertain significance for Metachromatic leukodystrophy. Last evaluated: 2026-01-08. Review status: criteria provided, single submitter. Criteria: Myriad Autosomal Dominant, Autosomal Recessive and X-Linked Classification Criteria (2023). Collection method: clinical testing. Allele origin: unknown.
Comment: NM_000487.5(ARSA):c.218C>T(P73L) is a missense variant classified as a variant of uncertain significance in the context of metachromatic leukodystrophy. P73L has been observed in cases with relevant disease (PMID: 30057904, Hassannejad_2020_(article)). Relevant functional assessments of this variant are not available in the literature. P73L has been observed in referenced population frequency databases. In summary, there is insufficient evidence to classify NM_000487.5(ARSA):c.218C>T(P73L) as pathogenic or benign. Please note: this variant was assessed in the context of healthy population screening.

Women's Health and Genetics/Laboratory Corporation of America, LabCorp
Classification: Uncertain significance. Last evaluated: 2023-04-14. Review status: criteria provided, single submitter. Criteria: LabCorp Variant Classification Summary - May 2015. Collection method: clinical testing. Allele origin: germline.
Comment: Variant summary: ARSA c.218C>T (p.Pro73Leu) results in a non-conservative amino acid change located in the N-terminal domain (IPR000917) of the encoded protein sequence. Four of four in-silico tools predict a damaging effect of the variant on protein function. The variant allele was found at a frequency of 1.2e-05 in 166390 control chromosomes (gnomAD). c.218C>T has been reported in the literature in at least two compound heterozygous individuals affected with Metachromatic Leukodystrophy (Chen_2018, Hassannejad_2020). These data indicate that the variant may be associated with disease. To our knowledge, no experimental evidence demonstrating an impact on protein function has been reported. No clinical diagnostic laboratories have submitted clinical-significance assessments for this variant to ClinVar after 2014. Based on the evidence outlined above, the variant was classified as VUS-possibly pathogenic.

Literature cited by the submitters: PubMed 30057904 (cited by Women's Health and Genetics/Laboratory Corporation of America, LabCorp).